The following is an entry in ClinVar:

ClinVar aggregate classification (germline): Uncertain significance (1 of 4 stars; one submission).

Conditions:
Immunodeficiency, common variable, 1. Also called: ANTIBODY DEFICIENCY DUE TO ICOS DEFECT. Identifiers: Orphanet 1572, Orphanet 695183, MedGen C3149378, MONDO:0011864, OMIM 607594.

Submission:

Labcorp Genetics (formerly Invitae), Labcorp
Classification: Uncertain significance for Immunodeficiency, common variable, 1. Last evaluated: 2018-10-11. Review status: criteria provided, single submitter. Criteria: Invitae Variant Classification Sherloc (09022015). Collection method: clinical testing. Allele origin: germline.
Comment: This sequence change replaces lysine with glutamine at codon 168 of the ICOS protein (p.Lys168Gln). The lysine residue is highly conserved and there is a small physicochemical difference between lysine and glutamine. Algorithms developed to predict the effect of sequence changes on RNA splicing suggest that this variant may create or strengthen a splice site, but this prediction has not been confirmed by published transcriptional studies. Algorithms developed to predict the effect of missense changes on protein structure and function are either unavailable or do not agree on the potential impact of this missense change (SIFT: "Tolerated"; PolyPhen-2: "Possibly Damaging"; Align-GVGD: "Class C0"). This variant has not been reported in the literature in individuals with ICOS-related disease. This variant is not present in population databases (ExAC no frequency). In summary, the available evidence is currently insufficient to determine the role of this variant in disease. Therefore, it has been classified as a Variant of Uncertain Significance.

NM_012092.4(ICOS):c.502A>C (p.Lys168Gln)

Gene: ICOS (inducible T cell costimulator; plus strand). Cytogenetic location: 2q33.2.
Variant type: single nucleotide variant.
Coding change: c.502A>C on transcript NM_012092.4 (MANE Select); coding-DNA position 502, A replaced by C.
Protein change: p.Lys168Gln; replaces lysine 168 with glutamine.
Molecular consequence: missense variant.
Genome position (GRCh38, 1-based): chr2:203,957,799, A>C. VCF-style: chr2-203957799-A-C. GRCh37 (hg19) VCF-style: chr2-204822522-A-C.
Other names: short protein forms K168Q.
Identifiers: ClinVar variation 648199 (VCV000648199.8), dbSNP rs1581607452, ClinGen allele CA350140576.